The following is an entry in ClinVar:

ClinVar aggregate classification (germline): Pathogenic (1 of 4 stars; one submission).

Submission:

GeneDx
Classification: Pathogenic. Last evaluated: 2025-07-18. Review status: criteria provided, single submitter. Criteria: GeneDx Variant Classification Process June 2021. Collection method: clinical testing. Allele origin: germline. Affected: yes.
Comment: Nonsense variant predicted to result in protein truncation or nonsense mediated decay in a gene for which loss of function is a known mechanism of disease; Not observed at significant frequency in large population cohorts (gnomAD); Has not been previously published as pathogenic or benign to our knowledge

NM_014974.3(DIP2C):c.247C>T (p.Arg83Ter)

Gene: DIP2C (DIP2 acetate--CoA ligase C (putative); minus strand). Cytogenetic location: 10p15.3.
Variant type: single nucleotide variant.
Coding change: c.247C>T on transcript NM_014974.3 (MANE Select); coding-DNA position 247, C replaced by T.
Protein change: p.Arg83Ter; replaces arginine 83 with a stop codon.
Molecular consequence: nonsense.
Genome position (GRCh38, 1-based): chr10:472,460, G>A on the plus strand (C>T on the coding strand, the complement: DIP2C is on the minus strand). VCF-style: chr10-472460-G-A. GRCh37 (hg19) VCF-style: chr10-518400-G-A.
Other names: short protein forms R83*.
Identifiers: ClinVar variation 4686180 (VCV004686180.1).